The following is an entry in ClinVar:

ClinVar aggregate classification (germline): Likely benign (0 of 4 stars; one submission).

Conditions:
NADK2-related disorder. Also called: NADK2-related condition.

Allele frequency attached by ClinVar (database versions not stated): gnomAD exomes 0.00021; gnomAD 0.00029; TOPMed 0.00032; ExAC 0.00103.
gnomAD v4.1: 351 of 1,531,674 alleles (0.023%); highest among the groups gnomAD compares: Middle Eastern, 0.067%; no homozygotes.

Submission:

PreventionGenetics, part of Exact Sciences
Classification: Likely benign for NADK2-related condition. Last evaluated: 2023-02-08. Review status: no assertion criteria provided. Collection method: clinical testing. Allele origin: germline.
Comment: This variant is classified as likely benign based on ACMG/AMP sequence variant interpretation guidelines (Richards et al. 2015 PMID: 25741868, with internal and published modifications).

NM_001085411.3(NADK2):c.861-1417A>G

Gene: NADK2 (NAD kinase 2, mitochondrial; minus strand). Cytogenetic location: 5p13.2.
Variant type: single nucleotide variant.
Coding change: c.861-1417A>G on transcript NM_001085411.3 (MANE Select); 1417 bases into the intron before coding-DNA position 861, A replaced by G.
Molecular consequence: intron variant. On other transcripts: missense variant (1).
Genome position (GRCh38, 1-based): chr5:36,208,682, T>C on the plus strand (A>G on the coding strand, the complement: NADK2 is on the minus strand). VCF-style: chr5-36208682-T-C. GRCh37 (hg19) VCF-style: chr5-36208784-T-C.
Other names: c.380A>G, p.Tyr127Cys (NM_001287341.2); c.372-1417A>G (NM_153013.5, NM_001287340.2); short protein forms Y127C.
Identifiers: ClinVar variation 3048482 (VCV003048482.2), dbSNP rs762658808, ClinGen allele CA3234587.